The following is an entry in ClinVar:

NM_001130009.3(GEN1):c.534T>G (p.His178Gln)

Gene: GEN1 (GEN1 structure-specific endonuclease; plus strand). Cytogenetic location: 2p24.2.
Variant type: single nucleotide variant.
Coding change: c.534T>G on transcript NM_001130009.3 (MANE Select); coding-DNA position 534, T replaced by G.
Protein change: p.His178Gln; replaces histidine 178 with glutamine.
Molecular consequence: missense variant.
Genome position (GRCh38, 1-based): chr2:17,766,587, T>G. VCF-style: chr2-17766587-T-G. GRCh37 (hg19) VCF-style: chr2-17947854-T-G.
Other names: c.534T>G (NM_001130009.1); c.534T>G, p.His178Gln (NM_182625.5); short protein forms H178Q.
Identifiers: ClinVar variation 2172619 (VCV002172619.5), dbSNP rs769568929, ClinGen allele CA1540468.

ClinVar aggregate classification (germline): Uncertain significance. Review status: criteria provided, multiple submitters, no conflicts (2 of 4 stars). 2 submissions from 2 submitters: Uncertain significance (2). Last evaluated 2025-03-10.

Allele frequency attached by ClinVar (database versions not stated): gnomAD 0.00001.
gnomAD v4.1: 6 of 1,572,616 alleles (0.00038%); highest among the groups gnomAD compares: Non-Finnish European, 0.00052%; no homozygotes.

Submissions (2):

Ambry Genetics
Classification: Uncertain significance. Last evaluated: 2025-03-10. Review status: criteria provided, single submitter. Criteria: Ambry Variant Classification Scheme 2023. Collection method: clinical testing. Allele origin: germline.
Comment: The p.H178Q variant (also known as c.534T>G), located in coding exon 4 of the GEN1 gene, results from a T to G substitution at nucleotide position 534. The histidine at codon 178 is replaced by glutamine, an amino acid with highly similar properties. This amino acid position is conserved. In addition, this alteration is predicted to be tolerated by in silico analysis. Based on the available evidence, the clinical significance of this variant remains unclear.

Labcorp Genetics (formerly Invitae), Labcorp
Classification: Uncertain significance. Last evaluated: 2021-12-17. Review status: criteria provided, single submitter. Criteria: Invitae Variant Classification Sherloc (09022015). Collection method: clinical testing. Allele origin: germline.
Comment: In summary, the available evidence is currently insufficient to determine the role of this variant in disease. Therefore, it has been classified as a Variant of Uncertain Significance. Algorithms developed to predict the effect of sequence changes on RNA splicing suggest that this variant may create or strengthen a splice site. Algorithms developed to predict the effect of missense changes on protein structure and function are either unavailable or do not agree on the potential impact of this missense change (SIFT: "Tolerated"; PolyPhen-2: "Probably Damaging"; Align-GVGD: "Class C0"). This variant has not been reported in the literature in individuals affected with GEN1-related conditions. This variant is present in population databases (rs769568929, gnomAD 0.002%). This sequence change replaces histidine, which is basic and polar, with glutamine, which is neutral and polar, at codon 178 of the GEN1 protein (p.His178Gln).